The following is an entry in ClinVar:

NM_015466.4(PTPN23):c.1550G>A (p.Arg517His)

Gene: PTPN23 (protein tyrosine phosphatase non-receptor type 23; plus strand). Cytogenetic location: 3p21.31.
Variant type: single nucleotide variant.
Coding change: c.1550G>A on transcript NM_015466.4 (MANE Select); coding-DNA position 1550, G replaced by A.
Protein change: p.Arg517His; replaces arginine 517 with histidine.
Molecular consequence: missense variant.
Genome position (GRCh38, 1-based): chr3:47,408,995, G>A. VCF-style: chr3-47408995-G-A. GRCh37 (hg19) VCF-style: chr3-47450485-G-A.
Other names: c.1172G>A, p.Arg391His (NM_001304482.2); c.1550G>A (NM_015466.3); short protein forms R391H, R517H.
Identifiers: ClinVar variation 1382386 (VCV001382386.5), dbSNP rs200222717, ClinGen allele CA2365754.

ClinVar aggregate classification (germline): Uncertain significance. Review status: criteria provided, single submitter (1 of 4 stars). 2 submissions from 2 submitters: Uncertain significance (1). 1 of the submissions does not count toward it. Last evaluated 2022-08-31.

Conditions:
PTPN23-related disorder. Also called: PTPN23-related condition.

Allele frequency attached by ClinVar (database versions not stated): gnomAD 0.00001; ExAC 0.00002; gnomAD exomes 0.00002 and 0.00003; TOPMed 0.00002; ESP Exome Variant Server 0.00008.
gnomAD v4.1: 26 of 1,614,136 alleles (0.0016%); highest among the groups gnomAD compares: Admixed American, 0.0083%; no homozygotes.

Submissions (2):

Labcorp Genetics (formerly Invitae), Labcorp
Classification: Uncertain significance. Last evaluated: 2022-08-31. Review status: criteria provided, single submitter. Criteria: Invitae Variant Classification Sherloc (09022015). Collection method: clinical testing. Allele origin: germline.
Comment: This sequence change replaces arginine, which is basic and polar, with histidine, which is basic and polar, at codon 517 of the PTPN23 protein (p.Arg517His). This variant is present in population databases (rs200222717, gnomAD 0.009%). This variant has not been reported in the literature in individuals affected with PTPN23-related conditions. ClinVar contains an entry for this variant (Variation ID: 1382386). Algorithms developed to predict the effect of missense changes on protein structure and function are either unavailable or do not agree on the potential impact of this missense change (SIFT: "Deleterious"; PolyPhen-2: "Not Available"; Align-GVGD: "Class C0"). In summary, the available evidence is currently insufficient to determine the role of this variant in disease. Therefore, it has been classified as a Variant of Uncertain Significance.

PreventionGenetics, part of Exact Sciences
Classification: Uncertain significance for PTPN23-related condition. Last evaluated: 2024-01-11. Review status: no assertion criteria provided. Collection method: clinical testing. Allele origin: germline. Not counted in ClinVar's aggregate classification.
Comment: The PTPN23 c.1550G>A variant is predicted to result in the amino acid substitution p.Arg517His. To our knowledge, this variant has not been reported in the literature. This variant is reported in 0.0087% of alleles in individuals of Latino descent in gnomAD. At this time, the clinical significance of this variant is uncertain due to the absence of conclusive functional and genetic evidence.